The following is an entry in ClinVar:

NM_000264.5(PTCH1):c.259_264del (p.Leu87_Phe88del)

Gene: PTCH1 (patched 1; minus strand). Cytogenetic location: 9q22.32.
Variant type: Deletion.
Coding change: c.259_264del on transcript NM_000264.5 (MANE Select); coding-DNA positions 259 to 264, 6 bases deleted (TTATTT; older notation c.259_264delTTATTT).
Protein change: p.Leu87_Phe88del.
Molecular consequence: inframe deletion. On other transcripts: 5 prime UTR variant (4), non-coding transcript variant (1).
Genome position (GRCh38, 1-based): chr9:95,506,537-95,506,542, AAATAA deleted on the plus strand (TTATTT on the coding strand, the reverse complement: PTCH1 is on the minus strand). VCF-style (leftmost placement, unchanged base first): chr9-95506536-TAAATAA-T. GRCh37 (hg19) VCF-style: chr9-98268818-TAAATAA-T.
Other names: c.61_66del, p.Leu21_Phe22del (NM_001083602.3, NM_001354919.2); c.256_261del, p.Leu86_Phe87del (NM_001083603.3); c.-195_-190del (NM_001083604.3, NM_001083605.3, NM_001083606.3 and 1 more transcripts); c.259_264del, p.Leu87_Phe88del (NM_001354918.2).
Identifiers: ClinVar variation 409210 (VCV000409210.1), dbSNP rs1060502296, ClinGen allele CA16612883.

ClinVar aggregate classification (germline): Uncertain significance (1 of 4 stars; one submission).

Conditions:
Gorlin syndrome. Also called: Nevoid Basal Cell Carcinoma Syndrome; Basal cell nevus syndrome. Identifiers: Orphanet 377, MedGen C0004779, MONDO:0007187.

Submission:

Labcorp Genetics (formerly Invitae), Labcorp
Classification: Uncertain significance for Gorlin syndrome. Last evaluated: 2016-10-31. Review status: criteria provided, single submitter. Criteria: Invitae Variant Classification Sherloc (09022015). Collection method: clinical testing. Allele origin: germline.
Comment: This sequence change deletes 6 nucleotides from exon 2 of the PTCH1 mRNA (c.259_264delTTATTT). This leads to the deletion of 2 amino acid residue(s) in the PTCH1 protein (p.Leu87_Phe88del) but otherwise preserves the integrity of the reading frame. This variant is not present in population databases (ExAC no frequency) and has not been reported in the literature in individuals with a PTCH1-related disease. Experimental studies and prediction algorithms are not available for this variant, and the functional significance of the deleted amino acids is currently unknown. In summary, this variant is a novel in-frame deletion with uncertain impact on protein function. It has been classified as a Variant of Uncertain Significance.